The following is an entry in ClinVar:

NM_014425.5(INVS):c.2996C>G (p.Ser999Ter)

Gene: INVS (inversin; plus strand). Cytogenetic location: 9q31.1.
Variant type: single nucleotide variant.
Coding change: c.2996C>G on transcript NM_014425.5 (MANE Select); coding-DNA position 2996, C replaced by G.
Protein change: p.Ser999Ter; replaces serine 999 with a stop codon.
Molecular consequence: nonsense. On other transcripts: non-coding transcript variant (1).
Genome position (GRCh38, 1-based): chr9:100,297,126, C>G. VCF-style: chr9-100297126-C-G. GRCh37 (hg19) VCF-style: chr9-103059408-C-G.
Other names: c.2708C>G, p.Ser903Ter (NM_001318381.2); c.2018C>G, p.Ser673Ter (NM_001318382.2); short protein forms S673*, S903*, S999*.
Identifiers: ClinVar variation 2011057 (VCV002011057.4), dbSNP rs1833814168, ClinGen allele CA374245406.

ClinVar aggregate classification (germline): Pathogenic (1 of 4 stars; one submission).

Conditions:
Nephronophthisis. Also called: Juvenile Nephronophthisis. Identifiers: Orphanet 655, MedGen C0687120, MONDO:0019005, HP:0000090.

Allele frequency attached by ClinVar (database versions not stated): TOPMed below 0.00001.

Submission:

Labcorp Genetics (formerly Invitae), Labcorp
Classification: Pathogenic for Nephronophthisis. Last evaluated: 2022-06-26. Review status: criteria provided, single submitter. Criteria: Invitae Variant Classification Sherloc (09022015). Collection method: clinical testing. Allele origin: germline.
Comment: For these reasons, this variant has been classified as Pathogenic. This variant has not been reported in the literature in individuals affected with INVS-related conditions. This variant is not present in population databases (gnomAD no frequency). This sequence change creates a premature translational stop signal (p.Ser999*) in the INVS gene. It is expected to result in an absent or disrupted protein product. Loss-of-function variants in INVS are known to be pathogenic (PMID: 12872123).

Literature cited by the submitters: PubMed 12872123.